The following is an entry in ClinVar:

ClinVar aggregate classification (germline): Uncertain significance. Review status: criteria provided, multiple submitters, no conflicts (2 of 4 stars). 2 submissions from 2 submitters: Uncertain significance (2). Last evaluated 2026-01-14.

gnomAD v4.1: 1 of 1,613,642 alleles (0.000062%); highest among the groups gnomAD compares: African/African-American, 0.0013%; no homozygotes.

Submissions (2):

Labcorp Genetics (formerly Invitae), Labcorp
Classification: Uncertain significance. Last evaluated: 2026-01-14. Review status: criteria provided, single submitter. Criteria: Invitae Variant Classification Sherloc (09022015). Collection method: clinical testing. Allele origin: germline.
Comment: This sequence change replaces phenylalanine, which is neutral and non-polar, with serine, which is neutral and polar, at codon 532 of the TSPEAR protein (p.Phe532Ser). This variant is present in population databases (no rsID available, gnomAD 0.01%). This variant has not been reported in the literature in individuals affected with TSPEAR-related conditions. ClinVar contains an entry for this variant (Variation ID: 3375560). Invitae Evidence Modeling of protein sequence and biophysical properties (such as structural, functional, and spatial information, amino acid conservation, physicochemical variation, residue mobility, and thermodynamic stability) indicates that this missense variant is expected to disrupt TSPEAR protein function with a positive predictive value of 80%. In summary, the available evidence is currently insufficient to determine the role of this variant in disease. Therefore, it has been classified as a Variant of Uncertain Significance.

GeneDx
Classification: Uncertain significance. Last evaluated: 2024-05-09. Review status: criteria provided, single submitter. Criteria: GeneDx Variant Classification Process June 2021. Collection method: clinical testing. Allele origin: germline. Affected: yes.
Comment: Not observed at significant frequency in large population cohorts (gnomAD); In silico analysis supports that this missense variant has a deleterious effect on protein structure/function; Has not been previously published as pathogenic or benign to our knowledge

NM_144991.3(TSPEAR):c.1595T>C (p.Phe532Ser)

Genes: TSPEAR (thrombospondin type laminin G domain and EAR repeats; minus strand), TSPEAR-AS1 (TSPEAR antisense RNA 1; plus strand), LOC126653398 (CDK7 strongly-dependent group 2 enhancer GRCh37_chr21:45928270-45929469; plus strand). Cytogenetic location: 21q22.3.
Variant type: single nucleotide variant.
Coding change: c.1595T>C on transcript NM_144991.3 (MANE Select); coding-DNA position 1595, T replaced by C.
Protein change: p.Phe532Ser; replaces phenylalanine 532 with serine.
Molecular consequence: missense variant. On other transcripts: non-coding transcript variant (1).
Genome position (GRCh38, 1-based): chr21:44,509,358, A>G on the plus strand (T>C on the coding strand, the complement: TSPEAR is on the minus strand). VCF-style: chr21-44509358-A-G. GRCh37 (hg19) VCF-style: chr21-45929241-A-G.
Other names: c.1391T>C, p.Phe464Ser (NM_001272037.2); short protein forms F464S, F532S.
Identifiers: ClinVar variation 3375560 (VCV003375560.2).